The following is an entry in ClinVar:

NM_001321142.2(CIDEC):c.366+10C>T

Gene: CIDEC (cell death inducing DFFA like effector c; minus strand). Cytogenetic location: 3p25.3.
Variant type: single nucleotide variant.
Coding change: c.366+10C>T on transcript NM_001321142.2 (MANE Select); 10 bases into the intron after coding-DNA position 366, C replaced by T.
Molecular consequence: intron variant.
Genome position (GRCh38, 1-based): chr3:9,870,154, G>A on the plus strand (C>T on the coding strand, the complement: CIDEC is on the minus strand). VCF-style: chr3-9870154-G-A. GRCh37 (hg19) VCF-style: chr3-9911838-G-A.
Other names: c.366+10C>T (NM_022094.3, NM_001199552.2, NM_001378491.1); c.144+10C>T (NM_001321144.2, NM_001321143.2); c.396+10C>T (NM_001199551.2); c.405+10C>T (NM_001199623.2).
Identifiers: ClinVar variation 3046980 (VCV003046980.2), dbSNP rs368298060, ClinGen allele CA2245638.

ClinVar aggregate classification (germline): Likely benign (0 of 4 stars; one submission).

Conditions:
CIDEC-related disorder. Also called: CIDEC-related condition.

Allele frequency attached by ClinVar (database versions not stated): gnomAD exomes 0.00001; ExAC 0.00002; gnomAD 0.00015; TOPMed 0.00019; ESP Exome Variant Server 0.00031.

Submission:

PreventionGenetics, part of Exact Sciences
Classification: Likely benign for CIDEC-related condition. Last evaluated: 2022-12-16. Review status: no assertion criteria provided. Collection method: clinical testing. Allele origin: germline.
Comment: This variant is classified as likely benign based on ACMG/AMP sequence variant interpretation guidelines (Richards et al. 2015 PMID: 25741868, with internal and published modifications).